The following is an entry in ClinVar:

NM_004304.5(ALK):c.3985C>T (p.Pro1329Ser)

Gene: ALK (ALK receptor tyrosine kinase; minus strand). Cytogenetic location: 2p23.2.
Variant type: single nucleotide variant.
Coding change: c.3985C>T on transcript NM_004304.5 (MANE Select); coding-DNA position 3985, C replaced by T.
Protein change: p.Pro1329Ser; replaces proline 1329 with serine.
Molecular consequence: missense variant.
Genome position (GRCh38, 1-based): chr2:29,197,630, G>A on the plus strand (C>T on the coding strand, the complement: ALK is on the minus strand). VCF-style: chr2-29197630-G-A. GRCh37 (hg19) VCF-style: chr2-29420496-G-A.
Other names: c.781C>T, p.Pro261Ser (NM_001353765.2); short protein forms P1329S, P261S.
Identifiers: ClinVar variation 2710242 (VCV002710242.3), dbSNP rs867766429, ClinGen allele CA44638109.

ClinVar aggregate classification (germline): Uncertain significance (1 of 4 stars; one submission).

Conditions:
Neuroblastoma, susceptibility to, 3. Also called: ALK-Related Neuroblastic Tumor Susceptibility. Identifiers: Orphanet 635, MedGen C2751681, MONDO:0013083, OMIM 613014.

Submission:

Labcorp Genetics (formerly Invitae), Labcorp
Classification: Uncertain significance for Neuroblastoma, susceptibility to, 3. Last evaluated: 2024-01-19. Review status: criteria provided, single submitter. Criteria: Invitae Variant Classification Sherloc (09022015). Collection method: clinical testing. Allele origin: germline.
Comment: This sequence change replaces proline, which is neutral and non-polar, with serine, which is neutral and polar, at codon 1329 of the ALK protein (p.Pro1329Ser). This variant is not present in population databases (gnomAD no frequency). This variant has not been reported in the literature in individuals affected with ALK-related conditions. An algorithm developed to predict the effect of missense changes on protein structure and function (PolyPhen-2) suggests that this variant is likely to be disruptive. In summary, the available evidence is currently insufficient to determine the role of this variant in disease. Therefore, it has been classified as a Variant of Uncertain Significance.